The following is an entry in ClinVar:

ClinVar aggregate classification (germline): Uncertain significance (1 of 4 stars; one submission).

Submission:

Labcorp Genetics (formerly Invitae), Labcorp
Classification: Uncertain significance. Last evaluated: 2025-10-01. Review status: criteria provided, single submitter. Criteria: Invitae Variant Classification Sherloc (09022015). Collection method: clinical testing. Allele origin: germline.
Comment: This sequence change falls in intron 5 of the RNASEH1 gene. It does not directly change the encoded amino acid sequence of the RNASEH1 protein. It affects a nucleotide within the consensus splice site. This variant is not present in population databases (gnomAD no frequency). This variant has not been reported in the literature in individuals affected with RNASEH1-related conditions. ClinVar contains an entry for this variant (Variation ID: 2746678). Variants that disrupt the consensus splice site are a relatively common cause of aberrant splicing (PMID: 17576681, 9536098). Algorithms developed to predict the effect of sequence changes on RNA splicing suggest that this variant may disrupt the consensus splice site. In summary, the available evidence is currently insufficient to determine the role of this variant in disease. Therefore, it has been classified as a Variant of Uncertain Significance.

Literature cited by the submitters: PubMed 17576681; PubMed 9536098.

NM_002936.6(RNASEH1):c.564+6T>A

Gene: RNASEH1 (ribonuclease H1; minus strand). Cytogenetic location: 2p25.3.
Variant type: single nucleotide variant.
Coding change: c.564+6T>A on transcript NM_002936.6 (MANE Select); 6 bases into the intron after coding-DNA position 564, T replaced by A.
Molecular consequence: intron variant.
Genome position (GRCh38, 1-based): chr2:3,549,052, A>T on the plus strand (T>A on the coding strand, the complement: RNASEH1 is on the minus strand). VCF-style: chr2-3549052-A-T. GRCh37 (hg19) VCF-style: chr2-3596642-A-T.
Other names: c.561+6T>A (NM_001378272.1); c.549+6T>A (NM_001378273.1); c.486+6T>A (NM_001286834.3); c.564+6T>A (NM_001378271.1); c.213+6T>A (NM_001286837.3).
Identifiers: ClinVar variation 2746678 (VCV002746678.3), dbSNP rs2528049709, ClinGen allele CA2697547807.